The following is an entry in ClinVar:

ClinVar aggregate classification (germline): Pathogenic (1 of 4 stars; one submission).

Conditions:
Hypophosphatasia. Also called: Phosphoethanol-aminuria. Identifiers: Orphanet 436, MedGen C0020630, MeSH D007014, MONDO:0018570.

Submission:

Genomenon, Inc
Classification: Pathogenic for Hypophosphatasia. Last evaluated: 2025-08-29. Review status: criteria provided, single submitter. Criteria: Genomenon Sequence Variant Interpretation Standards. Collection method: curation. Allele origin: germline. Affected: yes.
Comment: ALPL p.Gly333GlufsTer33 (c.997del) is a frameshift variant that results in the production of a truncated protein which is predicted to undergo nonsense-mediated mRNA decay. This variant has been observed in at least one proband affected with hypophosphatasia (PMID:33942288). It is absent or not present at a significant frequency in gnomAD. In conclusion, we classify ALPL p.Gly333GlufsTer33 (c.997del) as a pathogenic variant.

Literature cited by the submitters: PubMed 33942288.

NM_000478.6(ALPL):c.997+1del

Gene: ALPL (alkaline phosphatase, biomineralization associated; plus strand). Cytogenetic location: 1p36.12.
Variant type: Deletion.
Coding change: c.997+1del on transcript NM_000478.6 (MANE Select); the canonical splice donor site of the intron after coding-DNA position 997, one base deleted (G; older notation c.997+1delG).
Molecular consequence: splice donor variant.
Genome position (GRCh38, 1-based): chr1:21,573,800, G deleted; the last of 2 consecutive G bases (chr1:21,573,799-21,573,800); deleting either gives the same sequence. VCF-style (leftmost placement, unchanged base first): chr1-21573798-AG-A. GRCh37 (hg19) VCF-style: chr1-21900291-AG-A.
Other names: c.997del (NM_000478.6); c.997+1del (NM_001369805.2, NM_001369804.2, NM_001369803.2); c.832+1del (NM_001127501.4); c.766+1del (NM_001177520.3).
Identifiers: ClinVar variation 4086853 (VCV004086853.1).
Genomic context (GRCh38, chr1:21,573,798, plus strand): 5'-GGTGGTGGTGGCCATCCAGATCCTGCGGAAGAACCCCAAAGGCTTCTTCTTGCTGGTGGA[AG>A]GTAGGGACCCCGGGTCTGCTGAGAGGGGGCTGCTGGAAACACGGCCCTGGTGTCAGGATG-3'